The following is an entry in ClinVar:

NM_001018115.3(FANCD2):c.532A>T (p.Ser178Cys)

Genes: FANCD2 (FA complementation group D2; plus strand), LOC107303338 (3p25 FANCD2 Alu-mediated recombination region; plus strand). Cytogenetic location: 3p25.3.
Variant type: single nucleotide variant.
Coding change: c.532A>T on transcript NM_001018115.3 (MANE Select); coding-DNA position 532, A replaced by T.
Protein change: p.Ser178Cys; replaces serine 178 with cysteine.
Molecular consequence: missense variant.
Genome position (GRCh38, 1-based): chr3:10,039,319, A>T. VCF-style: chr3-10039319-A-T. GRCh37 (hg19) VCF-style: chr3-10081003-A-T.
Other names: c.532A>T, p.Ser178Cys (NM_001319984.2, NM_001374253.1, NM_001374254.1 and 2 more transcripts); short protein forms S178C.
Identifiers: ClinVar variation 3667489 (VCV003667489.4).

ClinVar aggregate classification (germline): Uncertain significance. Review status: criteria provided, multiple submitters, no conflicts (2 of 4 stars). 3 submissions from 3 submitters: Uncertain significance (3). Last evaluated 2025-05-23.

Conditions:
Inborn genetic diseases. Identifiers: MedGen C0950123, MeSH D030342.
Fanconi anemia (FA). Also called: Fanconi's anemia. Identifiers: Orphanet 84, MedGen C0015625, MeSH D005199, MONDO:0019391.

gnomAD v4.1: 49 of 1,613,898 alleles (0.003%); highest among the groups gnomAD compares: Non-Finnish European, 0.0042%; no homozygotes.

Submissions (3):

Ambry Genetics
Classification: Uncertain significance for Inborn genetic diseases. Last evaluated: 2025-05-23. Review status: criteria provided, single submitter. Criteria: Ambry Variant Classification Scheme 2023. Collection method: clinical testing. Allele origin: germline.

Labcorp Genetics (formerly Invitae), Labcorp
Classification: Uncertain significance for Fanconi anemia. Last evaluated: 2025-02-10. Review status: criteria provided, single submitter. Criteria: Invitae Variant Classification Sherloc (09022015). Collection method: clinical testing. Allele origin: germline.
Comment: This sequence change replaces serine, which is neutral and polar, with cysteine, which is neutral and slightly polar, at codon 178 of the FANCD2 protein (p.Ser178Cys). This variant is present in population databases (rs754937371, gnomAD 0.0009%). This variant has not been reported in the literature in individuals affected with FANCD2-related conditions. Invitae Evidence Modeling of protein sequence and biophysical properties (such as structural, functional, and spatial information, amino acid conservation, physicochemical variation, residue mobility, and thermodynamic stability) indicates that this missense variant is expected to disrupt FANCD2 protein function with a positive predictive value of 80%. In summary, the available evidence is currently insufficient to determine the role of this variant in disease. Therefore, it has been classified as a Variant of Uncertain Significance.

Blueprint Genetics
Classification: Uncertain significance. Last evaluated: 2024-09-13. Review status: criteria provided, single submitter. Criteria: ACMG Guidelines, 2015. Collection method: clinical testing. Allele origin: germline.